The following is an entry in ClinVar:

NM_006949.4(STXBP2):c.116G>A (p.Arg39His)

Gene: STXBP2 (syntaxin binding protein 2; plus strand). Cytogenetic location: 19p13.2.
Variant type: single nucleotide variant.
Coding change: c.116G>A on transcript NM_006949.4 (MANE Select); coding-DNA position 116, G replaced by A.
Protein change: p.Arg39His; replaces arginine 39 with histidine.
Molecular consequence: missense variant. On other transcripts: non-coding transcript variant (1).
Genome position (GRCh38, 1-based): chr19:7,639,047, G>A. VCF-style: chr19-7639047-G-A. GRCh37 (hg19) VCF-style: chr19-7703933-G-A.
Other names: c.116G>A, p.Arg39His (NM_001127396.3, NM_001272034.2); short protein forms R39H.
Identifiers: ClinVar variation 1010410 (VCV001010410.6), dbSNP rs200306463, ClinGen allele CA9143136.

ClinVar aggregate classification (germline): Uncertain significance (1 of 4 stars; one submission).

Conditions:
Familial hemophagocytic lymphohistiocytosis 5. Also called: STXBP2-Related Familial Hemophagocytic Lymphohistiocytosis (STXBP2-fHLH). Identifiers: Orphanet 540, MedGen C2751293, MONDO:0013135, OMIM 613101.

Allele frequency attached by ClinVar (database versions not stated): TOPMed 0.00001; gnomAD 0.00003 and 0.00005; ExAC 0.00005; gnomAD exomes 0.00007; ESP Exome Variant Server 0.00008.
gnomAD v4.1: 71 of 1,614,230 alleles (0.0044%); highest among the groups gnomAD compares: South Asian, 0.03%; 1 homozygote.

Submission:

Labcorp Genetics (formerly Invitae), Labcorp
Classification: Uncertain significance for Familial hemophagocytic lymphohistiocytosis 5. Last evaluated: 2022-08-08. Review status: criteria provided, single submitter. Criteria: Invitae Variant Classification Sherloc (09022015). Collection method: clinical testing. Allele origin: germline.
Comment: This sequence change replaces arginine, which is basic and polar, with histidine, which is basic and polar, at codon 39 of the STXBP2 protein (p.Arg39His). This variant is present in population databases (rs200306463, gnomAD 0.02%). This variant has not been reported in the literature in individuals affected with STXBP2-related conditions. ClinVar contains an entry for this variant (Variation ID: 1010410). Algorithms developed to predict the effect of missense changes on protein structure and function are either unavailable or do not agree on the potential impact of this missense change (SIFT: "Deleterious"; PolyPhen-2: "Probably Damaging"; Align-GVGD: "Class C0"). In summary, the available evidence is currently insufficient to determine the role of this variant in disease. Therefore, it has been classified as a Variant of Uncertain Significance.